The following is an entry in ClinVar:

NM_001042492.3(NF1):c.3002T>A (p.Val1001Glu)

Gene: NF1 (neurofibromin 1; plus strand). Cytogenetic location: 17q11.2.
Variant type: single nucleotide variant.
Coding change: c.3002T>A on transcript NM_001042492.3 (MANE Select); coding-DNA position 3002, T replaced by A.
Protein change: p.Val1001Glu; replaces valine 1001 with glutamic acid.
Molecular consequence: missense variant.
Genome position (GRCh38, 1-based): chr17:31,230,271, T>A. VCF-style: chr17-31230271-T-A. GRCh37 (hg19) VCF-style: chr17-29557289-T-A.
Other names: c.3002T>A, p.Val1001Glu (NM_000267.4); short protein forms V1001E.
Identifiers: ClinVar variation 430232 (VCV000430232.2), dbSNP rs1131691844, ClinGen allele CA398986539.
Genomic context (GRCh38, chr17:31,230,271, plus strand): 5'-TCTTTTGTCTATATCTGATAATTTTTTTATTGTTTCTATGTCTATATAGGTATGTTCGTG[T>A]GCTTGGGAATATGGTCCATGCAATTCAAATAAAAACGAAACTGTGTCAATTAGTTGAAGT-3'
Protein context (NP_001035957.1, residues 991-1011): MMLNLVRYVR[Val1001Glu]LGNMVHAIQI

ClinVar aggregate classification (germline): Likely pathogenic (1 of 4 stars; one submission).

Submission:

GeneDx
Classification: Likely pathogenic. Last evaluated: 2017-07-17. Review status: criteria provided, single submitter. Criteria: GeneDx Variant Classification (06012015). Collection method: clinical testing. Allele origin: germline. Affected: yes.
Comment: The V1001E variant has not been published as a pathogenic variant, nor has it been reported as a benign variant to our knowledge. The variant is not observed in large population cohorts (Lek et al., 2016; 1000 Genomes Consortium et al., 2015; Exome Variant Server). V1001E is a non-conservative amino acid substitution, which is likely to impact secondary protein structure as these residues differ in polarity, charge, size and/or other properties. This substitution occurs at a position where amino acids with similar properties to Valine are tolerated across species. In silico analysis is inconsistent in its predictions as to whether or not the variant is damaging to the protein structure/function. However, research has shown that the Valine 1001 residue is located within the GTPase activating protein domain (Luo et al., 2014). In summary, this variant is likely pathogenic; however, the possibility that it is benign cannot be excluded.